The following is an entry in ClinVar:

ClinVar aggregate classification (germline): Likely pathogenic (1 of 4 stars; one submission).

Submission:

GeneDx
Classification: Likely pathogenic. Last evaluated: 2025-12-09. Review status: criteria provided, single submitter. Criteria: GeneDx Variant Classification Process June 2021. Collection method: clinical testing. Allele origin: germline. Affected: yes.
Comment: Not observed at significant frequency in large population cohorts (gnomAD); In silico analysis supports that this missense variant has a deleterious effect on protein structure/function; Has not been previously published as pathogenic or benign to our knowledge

NM_001109878.2(TBX22):c.766T>A (p.Phe256Ile)

Gene: TBX22 (T-box transcription factor 22). Cytogenetic location: Xq21.1.
Variant type: single nucleotide variant.
Coding change: c.766T>A on transcript NM_001109878.2 (MANE Select); coding-DNA position 766, T replaced by A.
Protein change: p.Phe256Ile; replaces phenylalanine 256 with isoleucine.
Molecular consequence: missense variant.
Genome position (GRCh38, 1-based): chrX:80,026,836, T>A. VCF-style: chrX-80026836-T-A. GRCh37 (hg19) VCF-style: chrX-79282335-T-A.
Other names: c.406T>A, p.Phe136Ile (NM_001109879.2, NM_001303475.1); c.766T>A, p.Phe256Ile (NM_016954.2); short protein forms F136I, F256I.
Identifiers: ClinVar variation 1315207 (VCV001315207.4), dbSNP rs2147600340, ClinGen allele CA413740904.
Genomic context (GRCh38, chrX:80,026,836, plus strand): 5'-TCCCAGATTCAGTCCTTGCCCACTGAAGGTGTTAAAACATTCTCCTTTAAAGAAACTGAG[T>A]TCACCACAGTAACGGCTTACCAAAACCAACAGGTAAACTTGGTCATGTCTCAGGCGAATG-3'
Protein context (NP_001103348.1, residues 246-266): VKTFSFKETE[Phe256Ile]TTVTAYQNQQ